The following is an entry in ClinVar:

ClinVar aggregate classification (germline): Benign. Review status: criteria provided, multiple submitters, no conflicts (2 of 4 stars). 7 submissions from 7 submitters: Benign (6). 1 of the submissions does not count toward it. Last evaluated 2026-02-03.

Conditions:
Combined oxidative phosphorylation defect type 20. Also called: Combined oxidative phosphorylation deficiency 20. Identifiers: Orphanet 420728, MedGen C4014660, MONDO:0014397, OMIM 615917.

Allele frequency attached by ClinVar (database versions not stated): ESP Exome Variant Server 0.48316; gnomAD 0.50569 and 0.52046; TOPMed 0.50795; gnomAD exomes 0.54663 and 0.60544; ExAC 0.60105; 1000 Genomes Project 30x 0.60493; 1000 Genomes Project 0.61621.
gnomAD v4.1: 877,067 of 1,610,380 alleles (54%); highest among the groups gnomAD compares: East Asian, 81%; 245,783 homozygotes.

Submissions (7):

Labcorp Genetics (formerly Invitae), Labcorp
Classification: Benign. Last evaluated: 2026-02-03. Review status: criteria provided, single submitter. Criteria: Invitae Variant Classification Sherloc (09022015). Collection method: clinical testing. Allele origin: germline.

Blueprint Genetics
Classification: Benign. Last evaluated: 2024-11-27. Review status: criteria provided, single submitter. Criteria: ACMG Guidelines, 2015. Collection method: clinical testing. Allele origin: germline.

Unidad de Genómica Garrahan, Hospital de Pediatría Garrahan
Classification: Benign. Last evaluated: 2024-07-31. Review status: criteria provided, single submitter. Criteria: ACMG Guidelines, 2015. Collection method: clinical testing. Allele origin: germline. Affected: no. Observed: 82 variant alleles.
Comment: This variant is classified as Benign based on local population frequency. This variant was detected in 88% of patients studied in a panel designed for Epileptic and Developmental Encephalopathy, Progressive Myoclonus Epilepsy and Abnormal Movements and Neurodegeneration with brain iron accumulation. Number of patients: 82. Only high quality variants are reported.

Genome-Nilou Lab
Classification: Benign for Combined oxidative phosphorylation defect type 20. Last evaluated: 2021-12-05. Review status: criteria provided, single submitter. Criteria: ACMG Guidelines, 2015. Collection method: clinical testing. Allele origin: germline. Affected: no.

Mendelics
Classification: Benign for Combined oxidative phosphorylation defect type 20. Last evaluated: 2019-05-28. Review status: criteria provided, single submitter. Criteria: Mendelics Assertion Criteria 2017. Collection method: clinical testing. Allele origin: unknown.

GeneDx
Classification: Benign. Last evaluated: 2015-12-22. Review status: criteria provided, single submitter. Criteria: GeneDx Variant Classification (06012015). Collection method: clinical testing. Allele origin: germline. Affected: yes.
Comment: This variant is considered likely benign or benign based on one or more of the following criteria: it is a conservative change, it occurs at a poorly conserved position in the protein, it is predicted to be benign by multiple in silico algorithms, and/or has population frequency not consistent with disease.

Mayo Clinic Laboratories, Mayo Clinic
Classification: Benign. Last evaluated: 2016-02-19. Review status: no assertion criteria provided. Collection method: clinical testing. Allele origin: unknown. Not counted in ClinVar's aggregate classification.

NM_020442.6(VARS2):c.1345T>C (p.Trp449Arg)

Gene: VARS2 (valyl-tRNA synthetase 2, mitochondrial; plus strand). Cytogenetic location: 6p21.33.
Variant type: single nucleotide variant.
Coding change: c.1345T>C on transcript NM_020442.6 (MANE Select); coding-DNA position 1345, T replaced by C.
Protein change: p.Trp449Arg; replaces tryptophan 449 with arginine.
Molecular consequence: missense variant.
Genome position (GRCh38, 1-based): chr6:30,920,384, T>C. VCF-style: chr6-30920384-T-C. GRCh37 (hg19) VCF-style: chr6-30888161-T-C.
Other names: c.925T>C, p.Trp309Arg (NM_001167733.3); c.1435T>C, p.Trp479Arg (NM_001167734.2); short protein forms W449R, W479R, W309R.
Identifiers: ClinVar variation 380154 (VCV000380154.18), dbSNP rs2249464, ClinGen allele CA3705880.